The following is an entry in ClinVar:

ClinVar aggregate classification (germline): Benign. Review status: criteria provided, multiple submitters, no conflicts (2 of 4 stars). 5 submissions from 5 submitters: Benign (5). Last evaluated 2026-02-04.

Conditions:
Developmental and epileptic encephalopathy, 45 (DEE45). Also called: Epileptic encephalopathy, early infantile, 45. Identifiers: MedGen C4310691, MONDO:0014942, OMIM 617153.

Allele frequency attached by ClinVar (database versions not stated): 1000 Genomes Project 0.20986; 1000 Genomes Project 30x 0.21596; TOPMed 0.27413; ESP Exome Variant Server 0.31216.
gnomAD v4.1: 478,812 of 1,613,724 alleles (30%); highest among the groups gnomAD compares: Middle Eastern, 39%; 74,786 homozygotes.

Submissions (5):

Labcorp Genetics (formerly Invitae), Labcorp
Classification: Benign. Last evaluated: 2026-02-04. Review status: criteria provided, single submitter. Criteria: Invitae Variant Classification Sherloc (09022015). Collection method: clinical testing. Allele origin: germline.

Unidad de Genómica Garrahan, Hospital de Pediatría Garrahan
Classification: Benign. Last evaluated: 2024-07-15. Review status: criteria provided, single submitter. Criteria: ACMG Guidelines, 2015. Collection method: clinical testing. Allele origin: germline. Affected: no. Observed: 27 variant alleles.
Comment: This variant is classified as Benign based on local population frequency. This variant was detected in 29% of patients studied in a panel designed for Epileptic and Developmental Encephalopathy and Progressive Myoclonus Epilepsy. Number of patients: 27. Only high quality variants are reported.

Genome-Nilou Lab
Classification: Benign for Developmental and epileptic encephalopathy, 45. Last evaluated: 2021-08-10. Review status: criteria provided, single submitter. Criteria: ACMG Guidelines, 2015. Collection method: clinical testing. Allele origin: germline. Affected: no.

GeneDx
Classification: Benign. Last evaluated: 2019-06-15. Review status: criteria provided, single submitter. Criteria: GeneDx Variant Classification Process June 2021. Collection method: clinical testing. Allele origin: germline. Affected: yes.

Breakthrough Genomics
Classification: Benign. Review status: criteria provided, single submitter. Criteria: ACMG Guidelines, 2015. Collection method: not provided. Allele origin: germline. Inheritance: Autosomal dominant inheritance. Affected: yes.

NM_000812.4(GABRB1):c.846A>G (p.Thr282=)

Gene: GABRB1 (gamma-aminobutyric acid type A receptor subunit beta1; plus strand). Cytogenetic location: 4p12.
Variant type: single nucleotide variant.
Coding change: c.846A>G on transcript NM_000812.4 (MANE Select); coding-DNA position 846, A replaced by G.
Protein change: p.Thr282=; no amino-acid change (threonine 282 retained).
Molecular consequence: synonymous variant.
Genome position (GRCh38, 1-based): chr4:47,406,692, A>G. VCF-style: chr4-47406692-A-G. GRCh37 (hg19) VCF-style: chr4-47408709-A-G.
Identifiers: ClinVar variation 1280390 (VCV001280390.13), dbSNP rs6289, ClinGen allele CA2907705.